The following is an entry in ClinVar:

NM_013352.4(DSE):c.74_75delinsTT (p.Thr25Ile)

Gene: DSE (dermatan sulfate epimerase; plus strand). Cytogenetic location: 6q22.1.
Variant type: Indel.
Coding change: c.74_75delinsTT on transcript NM_013352.4 (MANE Select); coding-DNA positions 74 to 75, CC replaced by TT.
Protein change: p.Thr25Ile; replaces threonine 25 with isoleucine.
Molecular consequence: missense variant. On other transcripts: 5 prime UTR variant (4), non-coding transcript variant (1).
Genome position (GRCh38, 1-based): chr6:116,399,324-116,399,325, CC replaced by TT. VCF-style: chr6-116399324-CC-TT. GRCh37 (hg19) VCF-style: chr6-116720487-CC-TT.
Other names: c.74_75delinsTT, p.Thr25Ile (NM_001080976.3, NM_001322937.2, NM_001322938.2 and 3 more transcripts); c.131_132delinsTT, p.Thr44Ile (NM_001322939.2); c.-484_-483delinsTT (NM_001322940.2, NM_001322941.2); c.-827_-826delinsTT (NM_001374520.1); c.-514_-513delinsTT (NM_001374521.1); short protein forms T25I, T44I.
Identifiers: ClinVar variation 512749 (VCV000512749.1), dbSNP rs1554222279, ClinGen allele CA658796802.

ClinVar aggregate classification (germline): Likely benign (1 of 4 stars; one submission).

Submission:

GeneDx
Classification: Likely benign. Last evaluated: 2017-10-25. Review status: criteria provided, single submitter. Criteria: GeneDx Variant Classification (06012015). Collection method: clinical testing. Allele origin: germline. Affected: yes.
Comment: This variant is considered likely benign or benign based on one or more of the following criteria: it is a conservative change, it occurs at a poorly conserved position in the protein, it is predicted to be benign by multiple in silico algorithms, and/or has population frequency not consistent with disease.